The following is an entry in ClinVar:

NM_006096.4(NDRG1):c.944-1G>T

Gene: NDRG1 (N-myc downstream regulated 1; minus strand). Cytogenetic location: 8q24.22.
Variant type: single nucleotide variant.
Coding change: c.944-1G>T on transcript NM_006096.4 (MANE Select); the canonical splice acceptor site of the intron before coding-DNA position 944, G replaced by T.
Molecular consequence: splice acceptor variant.
Genome position (GRCh38, 1-based): chr8:133,239,120, C>A on the plus strand (G>T on the coding strand, the complement: NDRG1 is on the minus strand). VCF-style: chr8-133239120-C-A. GRCh37 (hg19) VCF-style: chr8-134251363-C-A.
Other names: c.746-1G>T (NM_001258432.2, NM_001374847.1); c.701-1G>T (NM_001258433.2); c.995-1G>T (NM_001374844.1); c.944-1G>T (NM_001135242.2, NM_001374845.1, NM_001374846.1).
Identifiers: ClinVar variation 800890 (VCV000800890.7), dbSNP rs1588216753, ClinGen allele CA372254669.
Genomic context (GRCh38, chr8:133,239,120, plus strand): 5'-TGACGCTGGAACCAGAGGCTGTGCGGGACCGCATCAGGCGGGTCATGCTAGCCGAGGGCA[C>A]TAGGGGAACAAGAGACAGCCGGTTAGAGGGCAGGAGACTGCCAGGTGAGGAGCCAGGCAT-3'

ClinVar aggregate classification (germline): Pathogenic/Likely pathogenic. Review status: criteria provided, multiple submitters, no conflicts (2 of 4 stars). 3 submissions from 3 submitters: Pathogenic (1); Likely pathogenic (1). 1 of the submissions does not count toward it. Last evaluated 2019-08-08.

Conditions:
Charcot-Marie-Tooth disease type 4D. Also called: Charcot-Marie-Tooth Neuropathy Type 4D; CHARCOT-MARIE-TOOTH DISEASE, DEMYELINATING, AUTOSOMAL RECESSIVE, TYPE 4D; CHARCOT-MARIE-TOOTH DISEASE, DEMYELINATING, TYPE 4D; NEUROPATHY, HEREDITARY MOTOR AND SENSORY, LOM TYPE. Identifiers: Orphanet 99950, MedGen C1832334, MONDO:0011085, OMIM 601455.

Submissions (3):

Baylor Genetics
Classification: Pathogenic for Charcot-Marie-Tooth disease type 4D. Last evaluated: 2019-08-08. Review status: criteria provided, single submitter. Criteria: ACMG Guidelines, 2015. Collection method: clinical testing. Allele origin: unknown. Affected: yes.
Comment: This variant was determined to be pathogenic according to ACMG Guidelines, 2015 [PMID:25741868].

Mayo Clinic Laboratories, Mayo Clinic
Classification: Likely pathogenic. Last evaluated: 2019-04-14. Review status: criteria provided, single submitter. Criteria: ACMG Guidelines, 2015. Collection method: clinical testing. Allele origin: germline. Observed: 1 variant allele.
Comment: PVS1_strong, PM2

Biochemical Molecular Genetic Laboratory, King Abdulaziz Medical City
Classification: Likely pathogenic for Charcot-Marie-Tooth disease type 4D. Last evaluated: 2019-09-26. Review status: no assertion criteria provided. Collection method: clinical testing. Allele origin: germline. Affected: yes. Not counted in ClinVar's aggregate classification.

Literature cited by the submitters: PubMed 28454995 (cited by Mayo Clinic Laboratories, Mayo Clinic).